The following is an entry in ClinVar:

NM_003000.3(SDHB):c.42_43insCACTCTCCTTGAGGCGCCGGTTGCCG (p.Ala15delinsHisSerProTer)

Gene: SDHB (succinate dehydrogenase complex iron sulfur subunit B; minus strand). Cytogenetic location: 1p36.13.
Variant type: Insertion.
Coding change: c.42_43insCACTCTCCTTGAGGCGCCGGTTGCCG on transcript NM_003000.3 (MANE Select); coding-DNA positions 42 to 43, CACTCTCCTTGAGGCGCCGGTTGCCG inserted.
Protein change: p.Ala15delinsHisSerProTer.
Molecular consequence: nonsense.
Genome position: GRCh38 VCF-style: chr1-17053977-C-CCGGCAACCGGCGCCTCAAGGAGAGTG. GRCh37 (hg19) VCF-style: chr1-17380472-C-CCGGCAACCGGCGCCTCAAGGAGAGTG.
Identifiers: ClinVar variation 1459398 (VCV001459398.7), dbSNP rs2101551748, ClinGen allele CA2573130767.

ClinVar aggregate classification (germline): Pathogenic. Review status: criteria provided, multiple submitters, no conflicts (2 of 4 stars). 2 submissions from 2 submitters: Pathogenic (2). Last evaluated 2025-02-18.

Conditions:
Gastrointestinal stromal tumor. Also called: Gastrointestinal stroma tumor; Gastrointestinal stromal tumor, somatic. Identifiers: Orphanet 44890, MedGen C0238198, MeSH D046152, MONDO:0011719, OMIM 606764, HP:0100723.
Pheochromocytoma/paraganglioma syndrome 4. Also called: CAROTID BODY TUMORS AND MULTIPLE EXTRAADRENAL PHEOCHROMOCYTOMAS; SDHB-Related Hereditary Paraganglioma-Pheochromocytoma Syndrome; PARAGANGLIOMA, FAMILIAL MALIGNANT; PARAGANGLIOMAS, HEREDITARY EXTRAADRENAL; PHEOCHROMOCYTOMA, FAMILIAL EXTRAADRENAL; Paragangliomas 4. Identifiers: Orphanet 29072, MedGen C1861848, MONDO:0007273, OMIM 115310.
Pheochromocytoma. Also called: MAX-Related Hereditary Paraganglioma-Pheochromocytoma Syndrome. Identifiers: Orphanet 29072, MedGen C0031511, MONDO:0008233, OMIM 171300, HP:0002666.

Submissions (2):

Labcorp Genetics (formerly Invitae), Labcorp
Classification: Pathogenic for Gastrointestinal stromal tumor; Pheochromocytoma/paraganglioma syndrome 4; Pheochromocytoma. Last evaluated: 2025-02-18. Review status: criteria provided, single submitter. Criteria: Invitae Variant Classification Sherloc (09022015). Collection method: clinical testing. Allele origin: germline.
Comment: This sequence change creates a premature translational stop signal (p.Ala15Hisfs*4) in the SDHB gene. It is expected to result in an absent or disrupted protein product. Loss-of-function variants in SDHB are known to be pathogenic (PMID: 19454582, 19802898). This variant is not present in population databases (gnomAD no frequency). This variant has not been reported in the literature in individuals affected with SDHB-related conditions. ClinVar contains an entry for this variant (Variation ID: 1459398). For these reasons, this variant has been classified as Pathogenic.

Myriad Genetics, Inc.
Classification: Pathogenic for Pheochromocytoma/paraganglioma syndrome 4. Last evaluated: 2025-02-04. Review status: criteria provided, single submitter. Criteria: Myriad Autosomal Dominant, Autosomal Recessive and X-Linked Classification Criteria (2023). Collection method: clinical testing. Allele origin: unknown.
Comment: This variant is considered pathogenic. This variant creates a frameshift predicted to result in premature protein truncation.

Literature cited by the submitters: PubMed 19454582 (cited by Labcorp Genetics (formerly Invitae), Labcorp); PubMed 19802898 (cited by Labcorp Genetics (formerly Invitae), Labcorp).